The following is an entry in ClinVar:

ClinVar aggregate classification (germline): Benign (1 of 4 stars; one submission).

Conditions:
MELAS syndrome (MELAS). Also called: Juvenile myopathy, encephalopathy, lactic acidosis, stroke. Identifiers: Orphanet 550, MedGen C0162671, MONDO:0010789, OMIM 540000.

Submission:

Wong Mito Lab, Molecular and Human Genetics, Baylor College of Medicine
Classification: Benign for MELAS syndrome. Last evaluated: 2019-07-12. Review status: criteria provided, single submitter. Criteria: Modified ACMG Guidelines (Unpublished). Collection method: clinical testing. Allele origin: germline.
Comment: The NC_012920.1:m.10411A>G variant in MT-TR gene is interpreted to be a Benign variant based on the modified ACMG guidelines (unpublished). This variant meets the following evidence codes reported in the guidelines: BS1, BS2, BP4

Literature cited by the submitters: PubMed 31965079.

NC_012920.1(MT-TR):m.10411A>G

Gene: MT-TR (mitochondrially encoded tRNA arginine; plus strand).
Variant type: single nucleotide variant.
Genome position: chrM-10411-A-G.
Identifiers: ClinVar variation 690116 (VCV000690116.1), dbSNP rs1603222828, ClinGen allele CA913163136.